The following is an entry in ClinVar:

NM_004260.4(RECQL4):c.2324G>A (p.Gly775Glu)

Gene: RECQL4 (RecQ like helicase 4; minus strand). Cytogenetic location: 8q24.3.
Variant type: single nucleotide variant.
Coding change: c.2324G>A on transcript NM_004260.4 (MANE Select); coding-DNA position 2324, G replaced by A.
Protein change: p.Gly775Glu; replaces glycine 775 with glutamic acid.
Molecular consequence: missense variant. On other transcripts: non-coding transcript variant (3), intron variant (3).
Genome position (GRCh38, 1-based): chr8:144,513,357, C>T on the plus strand (G>A on the coding strand, the complement: RECQL4 is on the minus strand). VCF-style: chr8-144513357-C-T. GRCh37 (hg19) VCF-style: chr8-145738740-C-T.
Other names: c.2169+59G>A (NM_001413017.1); c.2265+59G>A (NM_001413018.1); c.1194+59G>A (NM_001413038.1); c.2324G>A, p.Gly775Glu (NM_001413019.1, NM_001413036.1); c.2228G>A, p.Gly743Glu (NM_001413020.1); c.1253G>A, p.Gly418Glu (NM_001413021.1, NM_001413022.1, NM_001413023.1 and 5 more transcripts); c.2195G>A, p.Gly732Glu (NM_001413025.1); c.1187G>A, p.Gly396Glu (NM_001413027.1, NM_001413030.1, NM_001413032.1 and 1 more transcripts); and 7 more; short protein forms G658E, G731E, G396E, G408E, G418E, G743E, G765E, G286E.
Identifiers: ClinVar variation 5028088 (VCV005028088.1).

ClinVar aggregate classification (germline): Uncertain significance (1 of 4 stars; one submission).

Conditions:
Inborn genetic diseases. Identifiers: MedGen C0950123, MeSH D030342.

Submission:

Ambry Genetics
Classification: Uncertain significance for Inborn genetic diseases. Last evaluated: 2026-07-21. Review status: criteria provided, single submitter. Criteria: Ambry Variant Classification Scheme 2023. Collection method: clinical testing. Allele origin: germline.
Comment: The p.G775E variant (also known as c.2324G>A), located in coding exon 14 of the RECQL4 gene, results from a G to A substitution at nucleotide position 2324. The glycine at codon 775 is replaced by glutamic acid, an amino acid with similar properties. This amino acid position is conserved. In addition, this alteration is predicted to be deleterious by in silico analysis. Based on the available evidence, the clinical significance of this variant remains unclear.